The following is an entry in ClinVar:

ClinVar aggregate classification (germline): Pathogenic (1 of 4 stars; one submission).

Submission:

Labcorp Genetics (formerly Invitae), Labcorp
Classification: Pathogenic. Last evaluated: 2025-11-23. Review status: criteria provided, single submitter. Criteria: Invitae Variant Classification Sherloc (09022015). Collection method: clinical testing. Allele origin: germline.
Comment: This sequence change creates a premature translational stop signal (p.Arg1387Thrfs*19) in the SPTA1 gene. It is expected to result in an absent or disrupted protein product. Loss-of-function variants in SPTA1 are known to be pathogenic (PMID: 9192783, 18815189, 31333484, 31723846, 32266426). This variant is not present in population databases (gnomAD no frequency). This variant has not been reported in the literature in individuals affected with SPTA1-related conditions. For these reasons, this variant has been classified as Pathogenic.

Literature cited by the submitters: PubMed 9192783; PubMed 18815189; PubMed 31333484; PubMed 31723846; PubMed 32266426.

NM_003126.4(SPTA1):c.4158dup (p.Arg1387fs)

Gene: SPTA1 (spectrin alpha, erythrocytic 1; minus strand). Cytogenetic location: 1q23.1.
Variant type: Duplication.
Coding change: c.4158dup on transcript NM_003126.4 (MANE Select); coding-DNA position 4158, one base duplicated (A; older notation c.4158dupA).
Protein change: p.Arg1387fs; shifts the reading frame from arginine 1387.
Molecular consequence: frameshift variant.
Genome position (GRCh38, 1-based): chr1:158,645,224, T duplicated on the plus strand (A on the coding strand, the reverse complement: SPTA1 is on the minus strand); the first of 5 consecutive T bases (chr1:158,645,224-158,645,228); duplicating any one gives the same sequence. VCF-style (leftmost placement, unchanged base first): chr1-158645223-G-GT. GRCh37 (hg19) VCF-style: chr1-158615013-G-GT.
Other names: short protein forms R1387fs.
Identifiers: ClinVar variation 4727949 (VCV004727949.1).